The following is an entry in ClinVar:

NM_002860.4(ALDH18A1):c.945C>A (p.Ala315=)

Gene: ALDH18A1 (aldehyde dehydrogenase 18 family member A1; minus strand). Cytogenetic location: 10q24.1.
Variant type: single nucleotide variant.
Coding change: c.945C>A on transcript NM_002860.4 (MANE Select); coding-DNA position 945, C replaced by A.
Protein change: p.Ala315=; no amino-acid change (alanine 315 retained).
Molecular consequence: synonymous variant.
Genome position (GRCh38, 1-based): chr10:95,627,575, G>T on the plus strand (C>A on the coding strand, the complement: ALDH18A1 is on the minus strand). VCF-style: chr10-95627575-G-T. GRCh37 (hg19) VCF-style: chr10-97387332-G-T.
Other names: p.Ala315=; c.939C>A, p.Ala313= (NM_001017423.2, NM_001323415.2); c.612C>A, p.Ala204= (NM_001323412.2, NM_001323416.2); c.945C>A, p.Ala315= (NM_001323413.2, NM_001323414.2); c.840C>A, p.Ala280= (NM_001323417.2); c.606C>A, p.Ala202= (NM_001323418.2); c.309C>A, p.Ala103= (NM_001323419.2).
Identifiers: ClinVar variation 2923735 (VCV002923735.4), dbSNP rs566528582, ClinGen allele CA471029207.

ClinVar aggregate classification (germline): Likely benign. Review status: criteria provided, multiple submitters, no conflicts (2 of 4 stars). 2 submissions from 2 submitters: Likely benign (2). Last evaluated 2025-07-16.

Conditions:
Cutis laxa, autosomal dominant 3 (ADCL3). Identifiers: Orphanet 90348, MedGen C4225268, MONDO:0014706, OMIM 616603.
Autosomal dominant spastic paraplegia type 9. Identifiers: MedGen C1832669, MONDO:0015091.
de Barsy syndrome. Also called: Cutis laxa-corneal clouding-oligophrenia syndrome. Identifiers: Orphanet 2962, MedGen C0268354, MONDO:0017569.

gnomAD v4.1: 7 of 1,614,076 alleles (0.00043%); highest among the groups gnomAD compares: Non-Finnish European, 0.00059%; no homozygotes.

Submissions (2):

Mayo Clinic Laboratories, Mayo Clinic
Classification: Likely benign. Last evaluated: 2025-07-16. Review status: criteria provided, single submitter. Criteria: ACMG Guidelines, 2015. Collection method: clinical testing. Allele origin: germline. Observed: 1 variant allele.
Comment: BP4, BP7

Labcorp Genetics (formerly Invitae), Labcorp
Classification: Likely benign for Autosomal dominant spastic paraplegia type 9; de Barsy syndrome; Cutis laxa, autosomal dominant 3. Last evaluated: 2024-11-15. Review status: criteria provided, single submitter. Criteria: Invitae Variant Classification Sherloc (09022015). Collection method: clinical testing. Allele origin: germline.